The following is an entry in ClinVar:

NM_001211.6(BUB1B):c.1873A>G (p.Ile625Val)

Gene: BUB1B (BUB1 mitotic checkpoint serine/threonine kinase B; plus strand). Cytogenetic location: 15q15.1.
Variant type: single nucleotide variant.
Coding change: c.1873A>G on transcript NM_001211.6 (MANE Select); coding-DNA position 1873, A replaced by G.
Protein change: p.Ile625Val; replaces isoleucine 625 with valine.
Molecular consequence: missense variant.
Genome position (GRCh38, 1-based): chr15:40,206,322, A>G. VCF-style: chr15-40206322-A-G. GRCh37 (hg19) VCF-style: chr15-40498523-A-G.
Other names: short protein forms I625V.
Identifiers: ClinVar variation 956618 (VCV000956618.11), dbSNP rs1431396417, ClinGen allele CA391692581.

ClinVar aggregate classification (germline): Uncertain significance (1 of 4 stars; one submission).

Conditions:
Mosaic variegated aneuploidy syndrome 1 (MVA1). Also called: Warburton-Anyane-Yeboa syndrome. Identifiers: Orphanet 1052, MedGen C1850343, MONDO:0009759, OMIM 257300.

Allele frequency attached by ClinVar (database versions not stated): gnomAD exomes below 0.00001; TOPMed below 0.00001.
gnomAD v4.1: 12 of 1,614,164 alleles (0.00074%); highest among the groups gnomAD compares: Non-Finnish European, 0.00093%; no homozygotes.

Submission:

Labcorp Genetics (formerly Invitae), Labcorp
Classification: Uncertain significance for Mosaic variegated aneuploidy syndrome 1. Last evaluated: 2025-08-11. Review status: criteria provided, single submitter. Criteria: Invitae Variant Classification Sherloc (09022015). Collection method: clinical testing. Allele origin: germline.
Comment: This sequence change replaces isoleucine, which is neutral and non-polar, with valine, which is neutral and non-polar, at codon 625 of the BUB1B protein (p.Ile625Val). This variant is present in population databases (no rsID available, gnomAD 0.0009%). This variant has not been reported in the literature in individuals affected with BUB1B-related conditions. ClinVar contains an entry for this variant (Variation ID: 956618). An algorithm developed to predict the effect of missense changes on protein structure and function outputs the following: PolyPhen-2: "Benign". The valine amino acid residue is found in multiple mammalian species, which suggests that this missense change does not adversely affect protein function. Algorithms developed to predict the effect of sequence changes on RNA splicing suggest that this variant may create or strengthen a splice site. In summary, the available evidence is currently insufficient to determine the role of this variant in disease. Therefore, it has been classified as a Variant of Uncertain Significance.